The following is an entry in ClinVar:

NM_000136.3(FANCC):c.734G>A (p.Arg245Gln)

Genes: AOPEP (aminopeptidase O (putative); plus strand), FANCC (FA complementation group C; minus strand). Cytogenetic location: 9q22.32.
Variant type: single nucleotide variant.
Coding change: c.734G>A on transcript NM_000136.3 (MANE Select); coding-DNA position 734, G replaced by A.
Protein change: p.Arg245Gln; replaces arginine 245 with glutamine.
Molecular consequence: missense variant.
Genome position (GRCh38, 1-based): chr9:95,135,455, C>T on the plus strand (G>A on the coding strand, the complement: FANCC is on the minus strand). VCF-style: chr9-95135455-C-T. GRCh37 (hg19) VCF-style: chr9-97897737-C-T.
Other names: c.734G>A, p.Arg245Gln (NM_001243743.2, NM_001243744.2); c.734G>A (NM_000136.2); short protein forms R245Q.
Identifiers: ClinVar variation 1014542 (VCV001014542.16), dbSNP rs889715188, ClinGen allele CA196562568.

ClinVar aggregate classification (germline): Uncertain significance. Review status: criteria provided, multiple submitters, no conflicts (2 of 4 stars). 4 submissions from 4 submitters: Uncertain significance (3). 1 of the submissions does not count toward it. Last evaluated 2025-02-28.

Conditions:
Hereditary cancer-predisposing syndrome. Also called: Hereditary Cancer Syndrome; Tumor predisposition; Neoplastic Syndromes, Hereditary; Hereditary neoplastic syndrome. Identifiers: Orphanet 140162, MedGen C0027672, MeSH D009386, MONDO:0015356.
Fanconi anemia (FA). Also called: Fanconi's anemia. Identifiers: Orphanet 84, MedGen C0015625, MeSH D005199, MONDO:0019391.
Fanconi anemia complementation group C (FANCC). Also called: FANCONI PANCYTOPENIA, TYPE 3; FACC; Fanconi anemia, group C; FANCC-Related Fanconi Anemia. Identifiers: Orphanet 84, MedGen C3468041, MONDO:0009213, OMIM 227645.

Allele frequency attached by ClinVar (database versions not stated): gnomAD exomes below 0.00001 and 0.00001; TOPMed 0.00001; gnomAD 0.00003.
gnomAD v4.1: 12 of 1,613,852 alleles (0.00074%); highest among the groups gnomAD compares: African/African-American, 0.0027%; no homozygotes.

Submissions (4):

Labcorp Genetics (formerly Invitae), Labcorp
Classification: Uncertain significance for Fanconi anemia. Last evaluated: 2025-02-28. Review status: criteria provided, single submitter. Criteria: Invitae Variant Classification Sherloc (09022015). Collection method: clinical testing. Allele origin: germline.
Comment: This sequence change replaces arginine, which is basic and polar, with glutamine, which is neutral and polar, at codon 245 of the FANCC protein (p.Arg245Gln). This variant is present in population databases (no rsID available, gnomAD 0.004%). This variant has not been reported in the literature in individuals affected with FANCC-related conditions. ClinVar contains an entry for this variant (Variation ID: 1014542). Invitae Evidence Modeling of protein sequence and biophysical properties (such as structural, functional, and spatial information, amino acid conservation, physicochemical variation, residue mobility, and thermodynamic stability) indicates that this missense variant is not expected to disrupt FANCC protein function with a negative predictive value of 80%. In summary, the available evidence is currently insufficient to determine the role of this variant in disease. Therefore, it has been classified as a Variant of Uncertain Significance.

Ambry Genetics
Classification: Uncertain significance for Hereditary cancer-predisposing syndrome. Last evaluated: 2024-02-18. Review status: criteria provided, single submitter. Criteria: Ambry Variant Classification Scheme 2023. Collection method: clinical testing. Allele origin: germline.
Comment: The p.R245Q variant (also known as c.734G>A), located in coding exon 7 of the FANCC gene, results from a G to A substitution at nucleotide position 734. The arginine at codon 245 is replaced by glutamine, an amino acid with highly similar properties. This amino acid position is well conserved in available vertebrate species. In addition, this alteration is predicted to be tolerated by in silico analysis. Since supporting evidence is limited at this time, the clinical significance of this alteration remains unclear.

Fulgent Genetics
Classification: Uncertain significance for Fanconi anemia complementation group C. Last evaluated: 2021-11-24. Review status: criteria provided, single submitter. Criteria: ACMG Guidelines, 2015. Collection method: clinical testing. Allele origin: unknown.

Natera, Inc.
Classification: Uncertain significance for Fanconi anemia. Last evaluated: 2020-07-05. Review status: no assertion criteria provided. Collection method: clinical testing. Allele origin: germline. Not counted in ClinVar's aggregate classification.